The following is an entry in ClinVar:

ClinVar aggregate classification (germline): Uncertain significance (1 of 4 stars; one submission).

Conditions:
Familial adenomatous polyposis 1 (FAP1). Also called: FAMILIAL ADENOMATOUS POLYPOSIS 1, ATTENUATED; POLYPOSIS, ADENOMATOUS INTESTINAL. Identifiers: MedGen C2713442, MONDO:0021056, OMIM 175100. Disease mechanism: loss of function.

Submission:

Labcorp Genetics (formerly Invitae), Labcorp
Classification: Uncertain significance for Familial adenomatous polyposis 1. Last evaluated: 2023-06-12. Review status: criteria provided, single submitter. Criteria: Invitae Variant Classification Sherloc (09022015). Collection method: clinical testing. Allele origin: germline.
Comment: This variant occurs in a non-coding region of the APC gene. It does not change the encoded amino acid sequence of the APC protein. In summary, the available evidence is currently insufficient to determine the role of this variant in disease. Therefore, it has been classified as a Variant of Uncertain Significance. Experimental studies and prediction algorithms are not available or were not evaluated, and the functional significance of this variant is currently unknown. This variant has not been reported in the literature in individuals affected with APC-related conditions. This variant is not present in population databases (gnomAD no frequency).

NC_000005.10:g.112707394A>C

Gene: APC (APC regulator of Wnt signaling pathway; plus strand). Cytogenetic location: 5q22.2.
Variant type: single nucleotide variant.
Genome position: GRCh38 VCF-style: chr5-112707394-A-C. GRCh37 (hg19) VCF-style: chr5-112043091-A-C.
Identifiers: ClinVar variation 2738075 (VCV002738075.3), dbSNP rs571137741, ClinGen allele CA1080214552.